The following is an entry in ClinVar:

ClinVar aggregate classification (germline): Benign/Likely benign. Review status: criteria provided, multiple submitters, no conflicts (2 of 4 stars). 6 submissions from 6 submitters: Benign (4); Likely benign (2). Last evaluated 2026-01-19.

Conditions:
Alzheimer disease. Also called: Presenile and senile dementia; Alzheimer's disease. Identifiers: Orphanet 1020, MedGen C0002395, MeSH D000544, MONDO:0004975, HP:0002511.

Allele frequency attached by ClinVar (database versions not stated): gnomAD exomes 0.00077 and 0.00208; ExAC 0.00270; gnomAD 0.00808 and 0.00856; 1000 Genomes Project 0.00839; 1000 Genomes Project 30x 0.00890; TOPMed 0.00915; ESP Exome Variant Server 0.00961.
gnomAD v4.1: 2,417 of 1,614,042 alleles (0.15%); highest among the groups gnomAD compares: African/African-American, 2.8%; 28 homozygotes.

Submissions (6):

Labcorp Genetics (formerly Invitae), Labcorp
Classification: Benign for Alzheimer disease. Last evaluated: 2026-01-19. Review status: criteria provided, single submitter. Criteria: Invitae Variant Classification Sherloc (09022015). Collection method: clinical testing. Allele origin: germline.

ARUP Laboratories, Molecular Genetics and Genomics, ARUP Laboratories
Classification: Benign. Last evaluated: 2025-07-07. Review status: criteria provided, single submitter. Criteria: ARUP Molecular Germline Variant Investigation Process 2024. Collection method: clinical testing. Allele origin: germline.

GeneDx
Classification: Likely benign. Last evaluated: 2020-09-16. Review status: criteria provided, single submitter. Criteria: GeneDx Variant Classification Process June 2021. Collection method: clinical testing. Allele origin: germline. Affected: yes.

Athena Diagnostics
Classification: Benign. Last evaluated: 2019-06-14. Review status: criteria provided, single submitter. Criteria: Athena Diagnostics Criteria. Collection method: clinical testing. Allele origin: germline.

Illumina Laboratory Services, Illumina
Classification: Benign for Alzheimer disease type 1. Last evaluated: 2018-01-13. Review status: criteria provided, single submitter. Criteria: ICSL Variant Classification Criteria 13 December 2019. Collection method: clinical testing. Allele origin: germline.
Comment: This variant was observed in the ICSL laboratory as part of a predisposition screen in an ostensibly healthy population. It had not been previously curated by ICSL or reported in the Human Gene Mutation Database (HGMD: prior to June 1st, 2018), and was therefore a candidate for classification through an automated scoring system. Utilizing variant allele frequency, disease prevalence and penetrance estimates, and inheritance mode, an automated score was calculated to assess if this variant is too frequent to cause the disease. Based on the score and internal cut-off values, a variant classified as benign is not then subjected to further curation. The score for this variant resulted in a classification of benign for this disease.

Breakthrough Genomics
Classification: Likely benign. Review status: criteria provided, single submitter. Criteria: ACMG Guidelines, 2015. Collection method: not provided. Allele origin: germline. Inheritance: Autosomal dominant inheritance. Affected: yes.

NM_000484.4(APP):c.2133C>A (p.Val711=)

Gene: APP (amyloid beta precursor protein; minus strand). Cytogenetic location: 21q21.3.
Variant type: single nucleotide variant.
Coding change: c.2133C>A on transcript NM_000484.4 (MANE Select); coding-DNA position 2133, C replaced by A.
Protein change: p.Val711=; no amino-acid change (valine 711 retained).
Molecular consequence: synonymous variant.
Genome position (GRCh38, 1-based): chr21:25,891,800, G>T on the plus strand (C>A on the coding strand, the complement: APP is on the minus strand). VCF-style: chr21-25891800-G-T. GRCh37 (hg19) VCF-style: chr21-27264112-G-T.
Other names: c.2061C>A, p.Val687= (NM_001136016.3); c.1740C>A, p.Val580= (NM_001136129.3); c.1965C>A, p.Val655= (NM_001136130.3, NM_001385253.1); c.1803C>A, p.Val601= (NM_001136131.3); c.2079C>A, p.Val693= (NM_001204301.2); c.2022C>A, p.Val674= (NM_001204302.2); c.1854C>A, p.Val618= (NM_001204303.2); c.2076C>A, p.Val692= (NM_201413.3); and 1 more.
Identifiers: ClinVar variation 339628 (VCV000339628.24), dbSNP rs116650065, ClinGen allele CA9987052.